The following is an entry in ClinVar:

NM_001377458.1(CLCC1):c.623G>A (p.Arg208His)

Gene: CLCC1 (chloride channel CLIC like 1; minus strand). Cytogenetic location: 1p13.3.
Variant type: single nucleotide variant.
Coding change: c.623G>A on transcript NM_001377458.1 (MANE Select); coding-DNA position 623, G replaced by A.
Protein change: p.Arg208His; replaces arginine 208 with histidine.
Molecular consequence: missense variant. On other transcripts: non-coding transcript variant (1), intron variant (2).
Genome position (GRCh38, 1-based): chr1:108,943,554, C>T on the plus strand (G>A on the coding strand, the complement: CLCC1 is on the minus strand). VCF-style: chr1-108943554-C-T. GRCh37 (hg19) VCF-style: chr1-109486176-C-T.
Other names: c.623G>A, p.Arg208His (NM_001048210.3, NM_001377459.1, NM_001377460.1 and 8 more transcripts); c.521G>A, p.Arg174His (NM_001377469.1); c.332G>A, p.Arg111His (NM_001377470.1); c.473G>A, p.Arg158His (NM_015127.5); c.340-2056G>A (NM_001278202.2); c.340-3772G>A (NM_001278203.1); c.623G>A (NM_001048210.1); short protein forms R158H, R208H, R111H, R174H.
Identifiers: ClinVar variation 862979 (VCV000862979.9), dbSNP rs141116625, ClinGen allele CA983547.

ClinVar aggregate classification (germline): Uncertain significance. Review status: criteria provided, multiple submitters, no conflicts (2 of 4 stars). 2 submissions from 2 submitters: Uncertain significance (2). Last evaluated 2025-03-17.

Allele frequency attached by ClinVar (database versions not stated): ExAC 0.00002; gnomAD exomes 0.00002 and 0.00003; gnomAD 0.00004 and 0.00005; TOPMed 0.00004; ESP Exome Variant Server 0.00008.
gnomAD v4.1: 58 of 1,613,750 alleles (0.0036%); highest among the groups gnomAD compares: Non-Finnish European, 0.0044%; no homozygotes.

Submissions (2):

Labcorp Genetics (formerly Invitae), Labcorp
Classification: Uncertain significance. Last evaluated: 2025-03-17. Review status: criteria provided, single submitter. Criteria: Invitae Variant Classification Sherloc (09022015). Collection method: clinical testing. Allele origin: germline.
Comment: This sequence change replaces arginine, which is basic and polar, with histidine, which is basic and polar, at codon 208 of the CLCC1 protein (p.Arg208His). This variant is present in population databases (rs141116625, gnomAD 0.005%). This variant has not been reported in the literature in individuals affected with CLCC1-related conditions. ClinVar contains an entry for this variant (Variation ID: 862979). An algorithm developed to predict the effect of missense changes on protein structure and function outputs the following: PolyPhen-2: "Benign". The histidine amino acid residue is found in multiple mammalian species, which suggests that this missense change does not adversely affect protein function. In summary, the available evidence is currently insufficient to determine the role of this variant in disease. Therefore, it has been classified as a Variant of Uncertain Significance.

Ambry Genetics
Classification: Uncertain significance. Last evaluated: 2024-11-22. Review status: criteria provided, single submitter. Criteria: Ambry Variant Classification Scheme 2023. Collection method: clinical testing. Allele origin: germline.